The following is an entry in ClinVar:

NM_000268.4(NF2):c.835A>C (p.Lys279Gln)

Gene: NF2 (NF2, moesin-ezrin-radixin like (MERLIN) tumor suppressor; plus strand). Cytogenetic location: 22q12.2.
Variant type: single nucleotide variant.
Coding change: c.835A>C on transcript NM_000268.4 (MANE Select); coding-DNA position 835, A replaced by C.
Protein change: p.Lys279Gln; replaces lysine 279 with glutamine.
Molecular consequence: missense variant. On other transcripts: non-coding transcript variant (1), intron variant (1).
Genome position (GRCh38, 1-based): chr22:29,665,014, A>C. VCF-style: chr22-29665014-A-C. GRCh37 (hg19) VCF-style: chr22-30061003-A-C.
Other names: c.721A>C, p.Lys241Gln (NM_001407053.1, NM_001407056.1); c.712A>C, p.Lys238Gln (NM_001407054.1, NM_001407058.1, NM_181829.3); c.709A>C, p.Lys237Gln (NM_001407055.1, NM_181828.3); c.700A>C, p.Lys234Gln (NM_001407057.1, NM_001407059.1); c.835A>C, p.Lys279Gln (NM_001407060.1, NM_001407066.1, NM_016418.5 and 2 more transcripts); c.577A>C, p.Lys193Gln (NM_001407062.1); c.586A>C, p.Lys196Gln (NM_001407063.1, NM_001407064.1, NM_181830.3 and 1 more transcripts); c.301A>C, p.Lys101Gln (NM_001407065.1); and 2 more; short protein forms K101Q, K193Q, K196Q, K202Q, K234Q, K237Q, K238Q, K241Q.
Identifiers: ClinVar variation 3231113 (VCV003231113.1), dbSNP rs2518623767, ClinGen allele CA411144576.
Genomic context (GRCh38, chr22:29,665,014, plus strand): 5'-GTCGGACTGAAACTGTGTTCTGCTTCATTCTTCCAGTTTACTATTAAACCACTGGATAAG[A>C]AAATTGATGTCTTCAAGTTTAACTCCTCAAAGCTTCGTGTTAATAAGCTGGTAAGTTGAG-3'
Protein context (NP_000259.1, residues 269-289): KEFTIKPLDK[Lys279Gln]IDVFKFNSSK

ClinVar aggregate classification (germline): Uncertain significance (1 of 4 stars; one submission).

Conditions:
Hereditary cancer-predisposing syndrome. Also called: Neoplastic Syndromes, Hereditary; Tumor predisposition; Hereditary neoplastic syndrome; Hereditary Cancer Syndrome. Identifiers: Orphanet 140162, MedGen C0027672, MeSH D009386, MONDO:0015356.

Submission:

Ambry Genetics
Classification: Uncertain significance for Hereditary cancer-predisposing syndrome. Last evaluated: 2023-10-01. Review status: criteria provided, single submitter. Criteria: Ambry Variant Classification Scheme 2023. Collection method: clinical testing. Allele origin: germline.
Comment: The p.K279Q variant (also known as c.835A>C), located in coding exon 9 of the NF2 gene, results from an A to C substitution at nucleotide position 835. The lysine at codon 279 is replaced by glutamine, an amino acid with similar properties. This amino acid position is conserved. In addition, the in silico prediction for this alteration is inconclusive. Since supporting evidence is limited at this time, the clinical significance of this alteration remains unclear.